The following is an entry in ClinVar:

NM_014679.5(CEP57):c.1408C>G (p.Pro470Ala)

Gene: CEP57 (centrosomal protein 57; plus strand). Cytogenetic location: 11q21.
Variant type: single nucleotide variant.
Coding change: c.1408C>G on transcript NM_014679.5 (MANE Select); coding-DNA position 1408, C replaced by G.
Protein change: p.Pro470Ala; replaces proline 470 with alanine.
Molecular consequence: missense variant.
Genome position (GRCh38, 1-based): chr11:95,831,161, C>G. VCF-style: chr11-95831161-C-G. GRCh37 (hg19) VCF-style: chr11-95564325-C-G.
Other names: c.1381C>G, p.Pro461Ala (NM_001243776.2); c.1330C>G, p.Pro444Ala (NM_001243777.2); c.1327C>G, p.Pro443Ala (NM_001363604.2, NM_001440869.1, NM_001440870.1); c.1300C>G, p.Pro434Ala (NM_001440871.1); c.1291C>G, p.Pro431Ala (NM_001440872.1); c.1228C>G, p.Pro410Ala (NM_001440873.1); c.1222C>G, p.Pro408Ala (NM_001440874.1); c.1219C>G, p.Pro407Ala (NM_001440875.1); and 6 more; short protein forms P371A, P383A, P404A, P408A, P431A, P434A, P444A, P470A.
Identifiers: ClinVar variation 5034394 (VCV005034394.1).

ClinVar aggregate classification (germline): Uncertain significance (1 of 4 stars; one submission).

Conditions:
Inborn genetic diseases. Identifiers: MedGen C0950123, MeSH D030342.

Submission:

Ambry Genetics
Classification: Uncertain significance for Inborn genetic diseases. Last evaluated: 2026-09-07. Review status: criteria provided, single submitter. Criteria: Ambry Variant Classification Scheme 2023. Collection method: clinical testing. Allele origin: germline.
Comment: The p.P470A variant (also known as c.1408C>G), located in coding exon 11 of the CEP57 gene, results from a C to G substitution at nucleotide position 1408. The proline at codon 470 is replaced by alanine, an amino acid with highly similar properties. This amino acid position is conserved. In addition, this alteration is predicted to be tolerated by in silico analysis. Based on the available evidence, the clinical significance of this variant remains unclear.